The following is an entry in ClinVar:

NM_000492.4(CFTR):c.3099C>A (p.Phe1033Leu)

Genes: CFTR (CF transmembrane conductance regulator; plus strand), CFTR-AS2 (CFTR antisense RNA 2; minus strand), LOC111674472 (DNase I hypersensitive sites in introns 16 and 17a of CFTR; plus strand). Cytogenetic location: 7q31.2.
Variant type: single nucleotide variant.
Coding change: c.3099C>A on transcript NM_000492.4 (MANE Select); coding-DNA position 3099, C replaced by A.
Protein change: p.Phe1033Leu; replaces phenylalanine 1033 with leucine.
Molecular consequence: missense variant.
Genome position (GRCh38, 1-based): chr7:117,610,629, C>A. VCF-style: chr7-117610629-C-A. GRCh37 (hg19) VCF-style: chr7-117250683-C-A.
Other names: short protein forms F1033L.
Identifiers: ClinVar variation 1727537 (VCV001727537.7), dbSNP rs2485129096, ClinGen allele CA368990779.

ClinVar aggregate classification (germline): Uncertain significance. Review status: criteria provided, multiple submitters, no conflicts (2 of 4 stars). 2 submissions from 2 submitters: Uncertain significance (2). Last evaluated 2022-06-22.

Conditions:
Cystic fibrosis (CF). Also called: MUCOVISCIDOSIS. Identifiers: Orphanet 586, MedGen C0010674, MONDO:0009061, OMIM 219700. Disease mechanism: loss of function.

Submissions (2):

Labcorp Genetics (formerly Invitae), Labcorp
Classification: Uncertain significance for Cystic fibrosis. Last evaluated: 2022-06-22. Review status: criteria provided, single submitter. Criteria: Invitae Variant Classification Sherloc (09022015). Collection method: clinical testing. Allele origin: germline.
Comment: Algorithms developed to predict the effect of missense changes on protein structure and function are either unavailable or do not agree on the potential impact of this missense change (SIFT: "Deleterious"; PolyPhen-2: "Possibly Damaging"; Align-GVGD: "Class C0"). This sequence change replaces phenylalanine, which is neutral and non-polar, with leucine, which is neutral and non-polar, at codon 1033 of the CFTR protein (p.Phe1033Leu). This variant is not present in population databases (gnomAD no frequency). This variant has not been reported in the literature in individuals affected with CFTR-related conditions. In summary, the available evidence is currently insufficient to determine the role of this variant in disease. Therefore, it has been classified as a Variant of Uncertain Significance.

Ambry Genetics
Classification: Uncertain significance for Cystic fibrosis. Last evaluated: 2021-07-09. Review status: criteria provided, single submitter. Criteria: Ambry Variant Classification Scheme 2023. Collection method: clinical testing. Allele origin: germline.
Comment: The p.F1033L variant (also known as c.3099C>A), located in coding exon 19 of the CFTR gene, results from a C to A substitution at nucleotide position 3099. The phenylalanine at codon 1033 is replaced by leucine, an amino acid with highly similar properties. This amino acid position is conserved. In addition, this alteration is predicted to be deleterious by in silico analysis. Since supporting evidence is limited at this time, the clinical significance of this alteration remains unclear.